The following is an entry in ClinVar:

NM_006828.4(ASCC3):c.2228G>A (p.Gly743Asp)

Gene: ASCC3 (activating signal cointegrator 1 complex subunit 3; minus strand). Cytogenetic location: 6q16.3.
Variant type: single nucleotide variant.
Coding change: c.2228G>A on transcript NM_006828.4 (MANE Select); coding-DNA position 2228, G replaced by A.
Protein change: p.Gly743Asp; replaces glycine 743 with aspartic acid.
Molecular consequence: missense variant.
Genome position (GRCh38, 1-based): chr6:100,679,676, C>T on the plus strand (G>A on the coding strand, the complement: ASCC3 is on the minus strand). VCF-style: chr6-100679676-C-T. GRCh37 (hg19) VCF-style: chr6-101127552-C-T.
Other names: short protein forms G743D.
Identifiers: ClinVar variation 2599377 (VCV002599377.2), dbSNP rs2482895800, ClinGen allele CA365135402.
Genomic context (GRCh38, chr6:100,679,676, plus strand): 5'-ACCTGTTTTTCTGCAAGTACATAGTCATGTCCTTGGGTAGGAAAAAAGAAGGGAATATGG[C>T]CACAATTTTTTGCTCTTTCTATTAGAGACATAGCTGTTCTTACAGTGGCATTTCGAGCAT-3'
Protein context (NP_006819.2, residues 733-753): MSLIERAKNC[Gly743Asp]HIPFFFPTQG

ClinVar aggregate classification (germline): Uncertain significance (1 of 4 stars; one submission).

Conditions:
Inborn genetic diseases. Identifiers: MedGen C0950123, MeSH D030342.

Allele frequency attached by ClinVar (database versions not stated): gnomAD exomes below 0.00001.
gnomAD v4.1: 1 of 1,613,566 alleles (0.000062%); highest among the groups gnomAD compares: African/African-American, 0.0013%; no homozygotes.

Submission:

Ambry Genetics
Classification: Uncertain significance for Inborn genetic diseases. Last evaluated: 2023-09-18. Review status: criteria provided, single submitter. Criteria: Ambry Variant Classification Scheme 2023. Collection method: clinical testing. Allele origin: germline.
Comment: The c.2228G>A (p.G743D) alteration is located in exon 14 (coding exon 13) of the ASCC3 gene. This alteration results from a G to A substitution at nucleotide position 2228, causing the glycine (G) at amino acid position 743 to be replaced by an aspartic acid (D). This variant was not reported in population-based cohorts in the Genome Aggregation Database (gnomAD). This amino acid position is highly conserved in available vertebrate species. This alteration is predicted to be tolerated by in silico analysis. Based on insufficient or conflicting evidence, the clinical significance of this alteration remains unclear.